The following is an entry in ClinVar:

NM_144572.2(TBC1D2B):c.159C>G (p.Tyr53Ter)

Gene: TBC1D2B (TBC1 domain family member 2B; minus strand). Cytogenetic location: 15q25.1.
Variant type: single nucleotide variant.
Coding change: c.159C>G on transcript NM_144572.2 (MANE Select); coding-DNA position 159, C replaced by G.
Protein change: p.Tyr53Ter; replaces tyrosine 53 with a stop codon.
Molecular consequence: nonsense.
Genome position (GRCh38, 1-based): chr15:78,077,494, G>C on the plus strand (C>G on the coding strand, the complement: TBC1D2B is on the minus strand). VCF-style: chr15-78077494-G-C. GRCh37 (hg19) VCF-style: chr15-78369836-G-C.
Other names: c.159C>G, p.Tyr53Ter (NM_001387142.1, NM_001387143.1, NM_001387144.1 and 1 more transcripts); short protein forms Y53*.
Identifiers: ClinVar variation 3059042 (VCV003059042.2), dbSNP rs1215179726, ClinGen allele CA393544503.

ClinVar aggregate classification (germline): Likely pathogenic (0 of 4 stars; one submission).

Conditions:
TBC1D2B-related disorder. Also called: TBC1D2B-related condition.

Allele frequency attached by ClinVar (database versions not stated): gnomAD exomes below 0.00001; gnomAD 0.00001; TOPMed 0.00002.
gnomAD v4.1: 8 of 1,532,996 alleles (0.00052%); highest among the groups gnomAD compares: Non-Finnish European, 0.0007%; no homozygotes.

Submission:

PreventionGenetics, part of Exact Sciences
Classification: Likely pathogenic for TBC1D2B-related condition. Last evaluated: 2024-06-07. Review status: no assertion criteria provided. Collection method: clinical testing. Allele origin: germline.
Comment: The TBC1D2B c.159C>G variant is predicted to result in premature protein termination (p.Tyr53*). This variant was reported in the compound heterozygous state in a patient with features of TBC1D2B-related disease (Harms et al. 2024. PubMed ID: 38374468). A different nonsense variant upstream of this variant in exon 1 (c.25G>T, p.Glu9*) was reported in the homozygous state in an individual with TBC1D2B-related disease (Harms et al. 2024. PubMed ID: 38374468). This variant has not been reported in a large population database, indicating this variant is rare. Nonsense variants in TBC1D2B are expected to be pathogenic. This variant is interpreted as likely pathogenic.